The following is an entry in ClinVar:

NM_000264.5(PTCH1):c.1847G>C (p.Ser616Thr)

Genes: PTCH1 (patched 1; minus strand), LOC100507346 (uncharacterized LOC100507346; plus strand). Cytogenetic location: 9q22.32.
Variant type: single nucleotide variant.
Coding change: c.1847G>C on transcript NM_000264.5 (MANE Select); coding-DNA position 1847, G replaced by C.
Protein change: p.Ser616Thr; replaces serine 616 with threonine.
Molecular consequence: missense variant. On other transcripts: non-coding transcript variant (2).
Genome position (GRCh38, 1-based): chr9:95,469,813, C>G on the plus strand (G>C on the coding strand, the complement: PTCH1 is on the minus strand). VCF-style: chr9-95469813-C-G. GRCh37 (hg19) VCF-style: chr9-98232095-C-G.
Other names: p.Ser616Thr; c.1649G>C, p.Ser550Thr (NM_001083602.3); c.1844G>C, p.Ser615Thr (NM_001083603.3); c.1394G>C, p.Ser465Thr (NM_001083604.3, NM_001083605.3, NM_001083606.3 and 1 more transcripts); c.1691G>C, p.Ser564Thr (NM_001354918.2); short protein forms S465T, S550T, S564T, S615T, S616T.
Identifiers: ClinVar variation 3362790 (VCV003362790.3).

ClinVar aggregate classification (germline): Conflicting classifications of pathogenicity. Review status: criteria provided, conflicting classifications (1 of 4 stars). 2 submissions from 2 submitters: Likely pathogenic (1); Uncertain significance (1). Last evaluated 2025-02-05.

Conditions:
Basal cell nevus syndrome 1 (BCNS1). Also called: GORLIN-GOLTZ SYNDROME; MULTIPLE BASAL CELL NEVI, ODONTOGENIC KERATOCYSTS, AND SKELETAL ANOMALIES. Identifiers: MedGen CN376810, MONDO:0958174, OMIM 109400.
PTCH1-related disorder. Also called: PTCH1-related disorders; PTCH1-related condition.

Submissions (2):

3billion
Classification: Uncertain significance for PTCH1-related disorder. Last evaluated: 2025-02-05. Review status: criteria provided, single submitter. Criteria: ACMG Guidelines, 2015. Collection method: clinical testing. Allele origin: germline. Affected: yes.
Comment: The variant is not observed in the gnomAD v4.1.0 dataset. Predicted Consequence/Location: Missense variant. The majority of the known disease-causing variants of this gene are variants expected to result in premature termination of the protein. In silico tools predict the variant to alter splicing and produce an abnormal transcript [SpliceAI: 0.94 (>=0.2, moderate evidence for spliceogenicity)]. The same nucleotide change resulting in the same amino acid change has been previously reported to be associated with PTCH1-related disorder (ClinVar ID: VCV003362790).A different missense change at the same codon (p.Ser616Gly) has been reported to be associated with PTCH1-related disorder (ClinVar ID: VCV000428836). Therefore, this variant is classified as VUS according to the recommendation of ACMG/AMP guideline.

Molecular Genetics and NGS Laboratory, Hospital Fundacion Valle Del Lili
Classification: Likely pathogenic for Basal cell nevus syndrome 1. Last evaluated: 2024-05-20. Review status: criteria provided, single submitter. Criteria: ACMG Guidelines, 2015. Collection method: clinical testing. Allele origin: germline. Affected: yes. Observed: 1 variant allele.
Comment: In summary, the p.Ser616Thr variant meets our criteria to be classified as likely pathogenic.